The following is an entry in ClinVar:

NM_004840.3(ARHGEF6):c.1587T>C (p.His529=)

Gene: ARHGEF6 (Rac/Cdc42 guanine nucleotide exchange factor 6; minus strand). Cytogenetic location: Xq26.3.
Variant type: single nucleotide variant.
Coding change: c.1587T>C on transcript NM_004840.3 (MANE Select); coding-DNA position 1587, T replaced by C.
Protein change: p.His529=; no amino-acid change (histidine 529 retained).
Molecular consequence: synonymous variant.
Genome position (GRCh38, 1-based): chrX:136,680,848, A>G on the plus strand (T>C on the coding strand, the complement: ARHGEF6 is on the minus strand). VCF-style: chrX-136680848-A-G. GRCh37 (hg19) VCF-style: chrX-135763007-A-G.
Other names: c.1125T>C, p.His375= (NM_001306177.2).
Identifiers: ClinVar variation 1336905 (VCV001336905.28), dbSNP rs150446952, ClinGen allele CA10528347.
Genomic context (GRCh38, chrX:136,680,848, plus strand): 5'-TCCTCTGATCAGTCTGTTCAGCTGCTCCAACCATTCCTGGAAGTCCTGGTTGTTGTTACA[A>G]TGGACCACAATTCTCTCCACTGTGTTACCTACATCCCCCAATTATGATCAGTTTGAAAAC-3'
Protein context (NP_004831.1, residues 519-539): TGNTVERIVV[His529=]CNNNQDFQEW

ClinVar aggregate classification (germline): Likely benign. Review status: criteria provided, multiple submitters, no conflicts (2 of 4 stars). 2 submissions from 2 submitters: Likely benign (2). Last evaluated 2023-03-01.

Allele frequency attached by ClinVar (database versions not stated): gnomAD exomes 0.00002 and 0.00005; ExAC 0.00006; gnomAD 0.00009 and 0.00011; TOPMed 0.00016; ESP Exome Variant Server 0.00019.
gnomAD v4.1: 40 of 1,210,171 alleles (0.0033%); highest among the groups gnomAD compares: African/African-American, 0.056%; no homozygotes.

Submissions (2):

CeGaT Center for Human Genetics Tuebingen
Classification: Likely benign. Last evaluated: 2023-03-01. Review status: criteria provided, single submitter. Criteria: CeGaT Center For Human Genetics Tuebingen Variant Classification Criteria Version 2. Collection method: clinical testing. Allele origin: germline. Affected: yes. Observed: 1 variant allele.
Comment: ARHGEF6: BP4, BP7, BS2

Genetic Services Laboratory, University of Chicago
Classification: Likely benign. Last evaluated: 2018-12-03. Review status: criteria provided, single submitter. Criteria: ACMG Guidelines, 2015. Collection method: clinical testing. Allele origin: germline. Affected: no.